The following is an entry in ClinVar:

NM_001136193.2(FASTKD2):c.319_323del (p.Leu107fs)

Gene: FASTKD2 (FAST kinase domains 2; plus strand). Cytogenetic location: 2q33.3.
Variant type: Deletion.
Coding change: c.319_323del on transcript NM_001136193.2 (MANE Select); coding-DNA positions 319 to 323, 5 bases deleted (CTTTA; older notation c.319_323delCTTTA).
Protein change: p.Leu107fs; shifts the reading frame from leucine 107.
Molecular consequence: frameshift variant.
Genome position (GRCh38, 1-based): chr2:206,767,012-206,767,016, CTTTA deleted; deleting any 5 consecutive bases within chr2:206,767,010-206,767,016 gives the same sequence; the c. name uses the placement nearest the transcript's 3' end. VCF-style (leftmost placement, unchanged base first): chr2-206767009-CTACTT-C. GRCh37 (hg19) VCF-style: chr2-207631733-CTACTT-C.
Other names: c.319_323del, p.Leu107fs (NM_001136194.2, NM_014929.4); short protein forms L107fs.
Identifiers: ClinVar variation 2968694 (VCV002968694.3), dbSNP rs763480439, ClinGen allele CA2074860.

ClinVar aggregate classification (germline): Pathogenic (1 of 4 stars; one submission).

Submission:

Labcorp Genetics (formerly Invitae), Labcorp
Classification: Pathogenic. Last evaluated: 2024-10-22. Review status: criteria provided, single submitter. Criteria: Invitae Variant Classification Sherloc (09022015). Collection method: clinical testing. Allele origin: germline.
Comment: This sequence change creates a premature translational stop signal (p.Leu107Cysfs*2) in the FASTKD2 gene. It is expected to result in an absent or disrupted protein product. Loss-of-function variants in FASTKD2 are known to be pathogenic (PMID: 18771761). This variant is present in population databases (rs763480439, gnomAD 0.005%). This variant has not been reported in the literature in individuals affected with FASTKD2-related conditions. For these reasons, this variant has been classified as Pathogenic.

Literature cited by the submitters: PubMed 18771761.